The following is an entry in ClinVar:

ClinVar aggregate classification (germline): Pathogenic. Review status: criteria provided, multiple submitters, no conflicts (2 of 4 stars). 4 submissions from 4 submitters: Pathogenic (4). Last evaluated 2025-09-04.

Conditions:
Hereditary nonpolyposis colorectal neoplasms. Identifiers: MedGen C0009405, MeSH D003123.
Hereditary cancer-predisposing syndrome. Also called: Tumor predisposition; Hereditary neoplastic syndrome; Hereditary Cancer Syndrome; Neoplastic Syndromes, Hereditary. Identifiers: Orphanet 140162, MedGen C0027672, MeSH D009386, MONDO:0015356.
Lynch syndrome 5 (LYNCH5). Also called: Hereditary non-polyposis colorectal cancer, type 5; Colorectal cancer, hereditary nonpolyposis, type 5. Identifiers: Orphanet 144, MedGen C1833477, MONDO:0013710, OMIM 614350. Disease mechanism: loss of function.

Allele frequency attached by ClinVar (database versions not stated): gnomAD exomes below 0.00001.

Submissions (4):

GeneDx
Classification: Pathogenic. Last evaluated: 2025-09-04. Review status: criteria provided, single submitter. Criteria: GeneDx Variant Classification Process June 2021. Collection method: clinical testing. Allele origin: germline.
Comment: Nonsense variant predicted to result in protein truncation or nonsense mediated decay in a gene for which loss of function is a known mechanism of disease; Not observed at significant frequency in large population cohorts (gnomAD); Truncating variants in this gene are considered pathogenic by a well-established clinical consortium and/or database; This variant is associated with the following publications: (PMID: 28449805)

Labcorp Genetics (formerly Invitae), Labcorp
Classification: Pathogenic for Hereditary nonpolyposis colorectal neoplasms. Last evaluated: 2025-06-22. Review status: criteria provided, single submitter. Criteria: Invitae Variant Classification Sherloc (09022015). Collection method: clinical testing. Allele origin: germline.
Comment: This sequence change creates a premature translational stop signal (p.Phe882*) in the MSH6 gene. It is expected to result in an absent or disrupted protein product. Loss-of-function variants in MSH6 are known to be pathogenic (PMID: 18269114, 24362816). This variant is not present in population databases (gnomAD no frequency). This premature translational stop signal has been observed in individual(s) with Lynch syndrome (PMID: 28449805). ClinVar contains an entry for this variant (Variation ID: 233770). For these reasons, this variant has been classified as Pathogenic.

Ambry Genetics
Classification: Pathogenic for Hereditary cancer-predisposing syndrome. Last evaluated: 2024-12-02. Review status: criteria provided, single submitter. Criteria: Ambry Variant Classification Scheme 2023. Collection method: clinical testing. Allele origin: germline.
Comment: The c.2645_2653delTTAAGTCTA pathogenic mutation (also known as p.F882_K885delins*) is located in coding exon 4 of the MSH6 gene. This pathogenic mutation results from an in-frame TTAAGTCTA deletion at nucleotide positions 2645 to 2653. This changes the amino acid at position 882 to a stop codon within coding exon 4. This variant is considered to be rare based on population cohorts in the Genome Aggregation Database (gnomAD). This alteration is expected to result in loss of function by premature protein truncation or nonsense-mediated mRNA decay. As such, this alteration is interpreted as a disease-causing mutation.

Myriad Genetics, Inc.
Classification: Pathogenic for Lynch syndrome 5. Last evaluated: 2023-08-17. Review status: criteria provided, single submitter. Criteria: Myriad Autosomal Dominant, Autosomal Recessive and X-Linked Classification Criteria (2023). Collection method: clinical testing. Allele origin: unknown.
Comment: This variant is considered pathogenic. This variant creates a termination codon and is predicted to result in premature protein truncation.

Literature cited by the submitters: PubMed 18269114 (cited by Labcorp Genetics (formerly Invitae), Labcorp); PubMed 24362816 (cited by Labcorp Genetics (formerly Invitae), Labcorp); PubMed 28449805 (cited by Labcorp Genetics (formerly Invitae), Labcorp).

NM_000179.3(MSH6):c.2645_2653del (p.Phe882_Lys885delinsTer)

Gene: MSH6 (mutS homolog 6; plus strand). Cytogenetic location: 2p16.3.
Variant type: Deletion.
Coding change: c.2645_2653del on transcript NM_000179.3 (MANE Select); coding-DNA positions 2645 to 2653, 9 bases deleted (TTAAGTCTA; older notation c.2645_2653delTTAAGTCTA).
Protein change: p.Phe882_Lys885delinsTer.
Molecular consequence: nonsense.
Genome position (GRCh38, 1-based): chr2:47,800,628-47,800,636, TTAAGTCTA deleted. VCF-style (leftmost placement, unchanged base first): chr2-47800627-TTTAAGTCTA-T. GRCh37 (hg19) VCF-style: chr2-48027766-TTTAAGTCTA-T.
Other names: c.2255_2263del, p.Phe752_Lys755delinsTer (NM_001281492.2); c.1739_1747del, p.Phe580_Lys583delinsTer (NM_001281493.2, NM_001281494.2); c.2645_2653delTTAAGTCTA (NM_000179.2).
Identifiers: ClinVar variation 233770 (VCV000233770.19), dbSNP rs876660630, ClinGen allele CA10578109.
Genomic context (GRCh38, chr2:47,800,627, plus strand): 5'-CTGGAAGGATTCAAAGTAATGTGTAAAATTATAGGGATCATGGAAGAAGTTGCTGATGGT[TTTAAGTCTA>T]AAATCCTTAAGCAGGTCATCTCTCTGCAGACAAAAAATCCTGAAGGTCGTTTTCCTGATT-3'